The following is an entry in ClinVar:

NM_015346.4(ZFYVE26):c.1153A>T (p.Arg385Trp)

Gene: ZFYVE26 (zinc finger FYVE-type containing 26; minus strand). Cytogenetic location: 14q24.1.
Variant type: single nucleotide variant.
Coding change: c.1153A>T on transcript NM_015346.4 (MANE Select); coding-DNA position 1153, A replaced by T.
Protein change: p.Arg385Trp; replaces arginine 385 with tryptophan.
Molecular consequence: missense variant.
Genome position (GRCh38, 1-based): chr14:67,805,483, T>A on the plus strand (A>T on the coding strand, the complement: ZFYVE26 is on the minus strand). VCF-style: chr14-67805483-T-A. GRCh37 (hg19) VCF-style: chr14-68272200-T-A.
Other names: short protein forms R385W.
Identifiers: ClinVar variation 872046 (VCV000872046.46), dbSNP rs529988015, ClinGen allele CA7240607.

ClinVar aggregate classification (germline): Uncertain significance. Review status: criteria provided, multiple submitters, no conflicts (2 of 4 stars). 4 submissions from 4 submitters: Uncertain significance (4). Last evaluated 2025-12-27.

Conditions:
Inborn genetic diseases. Identifiers: MedGen C0950123, MeSH D030342.
Spastic paraplegia. Identifiers: MedGen C0037772, HP:0001258.

Allele frequency attached by ClinVar (database versions not stated): gnomAD 0.00001 and 0.00004; gnomAD exomes 0.00005 and 0.00006; TOPMed 0.00005; ExAC 0.00007; 1000 Genomes Project 30x 0.00016; 1000 Genomes Project 0.00020.

Submissions (4):

GeneDx
Classification: Uncertain significance. Last evaluated: 2025-12-27. Review status: criteria provided, single submitter. Criteria: GeneDx Variant Classification Process June 2021. Collection method: clinical testing. Allele origin: germline. Affected: yes.
Comment: In silico analysis suggests that this missense variant does not alter protein structure/function; Has not been previously published as pathogenic or benign to our knowledge

Ambry Genetics
Classification: Uncertain significance for Inborn genetic diseases. Last evaluated: 2025-11-26. Review status: criteria provided, single submitter. Criteria: Ambry Variant Classification Scheme 2023. Collection method: clinical testing. Allele origin: germline.

Labcorp Genetics (formerly Invitae), Labcorp
Classification: Uncertain significance for Spastic paraplegia. Last evaluated: 2022-04-04. Review status: criteria provided, single submitter. Criteria: Invitae Variant Classification Sherloc (09022015). Collection method: clinical testing. Allele origin: germline.
Comment: This sequence change replaces arginine, which is basic and polar, with tryptophan, which is neutral and slightly polar, at codon 385 of the ZFYVE26 protein (p.Arg385Trp). This variant is present in population databases (rs529988015, gnomAD 0.03%). This variant has not been reported in the literature in individuals affected with ZFYVE26-related conditions. ClinVar contains an entry for this variant (Variation ID: 872046). Algorithms developed to predict the effect of missense changes on protein structure and function are either unavailable or do not agree on the potential impact of this missense change (SIFT: "Deleterious"; PolyPhen-2: "Benign"; Align-GVGD: "Class C0"). In summary, the available evidence is currently insufficient to determine the role of this variant in disease. Therefore, it has been classified as a Variant of Uncertain Significance.

CeGaT Center for Human Genetics Tuebingen
Classification: Uncertain significance. Last evaluated: 2019-09-01. Review status: criteria provided, single submitter. Criteria: CeGaT Center For Human Genetics Tuebingen Variant Classification Criteria Version 2. Collection method: clinical testing. Allele origin: germline. Affected: yes. Observed: 1 variant allele.